The following is an entry in ClinVar:

NM_001048174.2(MUTYH):c.1427C>A (p.Thr476Asn)

Gene: MUTYH (mutY DNA glycosylase; minus strand). Cytogenetic location: 1p34.1.
Variant type: single nucleotide variant.
Coding change: c.1427C>A on transcript NM_001048174.2 (MANE Select); coding-DNA position 1427, C replaced by A.
Protein change: p.Thr476Asn; replaces threonine 476 with asparagine.
Molecular consequence: missense variant. On other transcripts: non-coding transcript variant (7).
Genome position (GRCh38, 1-based): chr1:45,330,523, G>T on the plus strand (C>A on the coding strand, the complement: MUTYH is on the minus strand). VCF-style: chr1-45330523-G-T. GRCh37 (hg19) VCF-style: chr1-45796195-G-T.
Other names: c.1082C>A, p.Thr361Asn (NM_001407082.1, NM_001350650.2, NM_001350651.2); c.1469C>A, p.Thr490Asn (NM_001407083.1, NM_001407085.1); c.1430C>A, p.Thr477Asn (NM_001407086.1, NM_001048172.2, NM_001407071.1 and 1 more transcripts); c.1448C>A, p.Thr483Asn (NM_001407087.1); c.1427C>A, p.Thr476Asn (NM_001407088.1, NM_001407089.1, NM_001048171.2 and 6 more transcripts); c.1151C>A, p.Thr384Asn (NM_001407091.1, NM_001293192.2, NM_001293196.2); c.1502C>A, p.Thr501Asn (NM_012222.3); c.1511C>A, p.Thr504Asn (NM_001128425.2); and 5 more; short protein forms T476N, T491N, T361N, T462N, T501N, T384N, T463N, T477N.
Identifiers: ClinVar variation 4113304 (VCV004113304.1).

ClinVar aggregate classification (germline): Uncertain significance (1 of 4 stars; one submission).

Conditions:
Hereditary cancer-predisposing syndrome. Also called: Tumor predisposition; Neoplastic Syndromes, Hereditary; Hereditary neoplastic syndrome; Hereditary Cancer Syndrome. Identifiers: Orphanet 140162, MedGen C0027672, MeSH D009386, MONDO:0015356.

Submission:

Ambry Genetics
Classification: Uncertain significance for Hereditary cancer-predisposing syndrome. Last evaluated: 2025-08-27. Review status: criteria provided, single submitter. Criteria: Ambry Variant Classification Scheme 2023. Collection method: clinical testing. Allele origin: germline.
Comment: The p.T504N variant (also known as c.1511C>A), located in coding exon 15 of the MUTYH gene, results from a C to A substitution at nucleotide position 1511. The threonine at codon 504 is replaced by asparagine, an amino acid with similar properties. This amino acid position is conserved. In addition, this alteration is predicted to be tolerated by in silico analysis. Based on the available evidence, the clinical significance of this variant remains unclear.